The following is an entry in ClinVar:

NM_020975.6(RET):c.2030G>A (p.Arg677Gln)

Gene: RET (ret proto-oncogene; plus strand). Cytogenetic location: 10q11.21.
Variant type: single nucleotide variant.
Coding change: c.2030G>A on transcript NM_020975.6 (MANE Select); coding-DNA position 2030, G replaced by A.
Protein change: p.Arg677Gln; replaces arginine 677 with glutamine.
Molecular consequence: missense variant.
Genome position (GRCh38, 1-based): chr10:43,114,630, G>A. VCF-style: chr10-43114630-G-A. GRCh37 (hg19) VCF-style: chr10-43610078-G-A.
Other names: c.2030G>A, p.Arg677Gln (NM_000323.2, NM_001406743.1, NM_001406744.1 and 4 more transcripts); c.1268G>A, p.Arg423Gln (NM_001355216.2); c.1901G>A, p.Arg634Gln (NM_001406761.1, NM_001406762.1, NM_001406764.1); c.1895G>A, p.Arg632Gln (NM_001406763.1, NM_001406765.1); c.1742G>A, p.Arg581Gln (NM_001406766.1, NM_001406767.1, NM_001406770.1); c.1766G>A, p.Arg589Gln (NM_001406768.1); c.1634G>A, p.Arg545Gln (NM_001406769.1, NM_001406772.1); c.1592G>A, p.Arg531Gln (NM_001406771.1, NM_001406773.1); and 10 more; short protein forms R677Q, R423Q, R242Q, R282Q, R338Q, R531Q, R632Q, R634Q.
Identifiers: ClinVar variation 477336 (VCV000477336.15), dbSNP rs536038262, ClinGen allele CA036983.

ClinVar aggregate classification (germline): Conflicting classifications of pathogenicity. Review status: criteria provided, conflicting classifications (1 of 4 stars). 5 submissions from 5 submitters: Uncertain significance (3); Benign (1); Likely benign (1). Last evaluated 2025-12-03.

Conditions:
Multiple endocrine neoplasia type 2A. Also called: MULTIPLE ENDOCRINE NEOPLASIA, TYPE IIA; PTC SYNDROME; SIPPLE SYNDROME; MEN 2A; MEN-2A syndrome; Pheochromocytoma and amyloid producing medullary thyroid carcinoma. Identifiers: Orphanet 247698, Orphanet 653, MedGen C0025268, MeSH D018813, MONDO:0008234, OMIM 171400.
Hereditary cancer-predisposing syndrome. Also called: Neoplastic Syndromes, Hereditary; Hereditary Cancer Syndrome; Hereditary neoplastic syndrome; Tumor predisposition. Identifiers: Orphanet 140162, MedGen C0027672, MeSH D009386, MONDO:0015356.
Multiple endocrine neoplasia, type 2 (MEN2). Identifiers: Orphanet 653, MedGen C4048306, MONDO:0019003. Disease mechanism: gain of function.

Allele frequency attached by ClinVar (database versions not stated): gnomAD exomes 0.00005 and 0.00002; gnomAD below 0.00001 and 0.00001; TOPMed 0.00001; ExAC 0.00002.
gnomAD v4.1: 39 of 1,612,842 alleles (0.0024%); highest among the groups gnomAD compares: South Asian, 0.027%; no homozygotes.

Submissions (5):

Labcorp Genetics (formerly Invitae), Labcorp
Classification: Uncertain significance for Multiple endocrine neoplasia, type 2. Last evaluated: 2025-12-03. Review status: criteria provided, single submitter. Criteria: Invitae Variant Classification Sherloc (09022015). Collection method: clinical testing. Allele origin: germline.
Comment: This sequence change replaces arginine, which is basic and polar, with glutamine, which is neutral and polar, at codon 677 of the RET protein (p.Arg677Gln). This variant is present in population databases (rs536038262, gnomAD 0.03%). This variant has not been reported in the literature in individuals affected with RET-related conditions. ClinVar contains an entry for this variant (Variation ID: 477336). An algorithm developed to predict the effect of missense changes on protein structure and function (PolyPhen-2) suggests that this variant is likely to be tolerated. In summary, the available evidence is currently insufficient to determine the role of this variant in disease. Therefore, it has been classified as a Variant of Uncertain Significance.

Myriad Genetics, Inc.
Classification: Likely benign for Multiple endocrine neoplasia type 2A. Last evaluated: 2024-08-12. Review status: criteria provided, single submitter. Criteria: Myriad Autosomal Dominant, Autosomal Recessive and X-Linked Classification Criteria (2023). Collection method: clinical testing. Allele origin: unknown.
Comment: This variant is considered likely benign. This variant has been observed at a population frequency that is significantly greater than expected given the associated disease prevalence and penetrance.

All of Us Research Program, National Institutes of Health
Classification: Uncertain significance for Multiple endocrine neoplasia, type 2. Last evaluated: 2023-12-18. Review status: criteria provided, single submitter. Criteria: ACMG Guidelines, 2015. Collection method: clinical testing. Allele origin: germline. Inheritance: Autosomal dominant inheritance. Observed: 3 variant alleles, 3 heterozygotes.
Comment: This missense variant replaces arginine with glutamine at codon 677 of the RET protein. Computational prediction suggests that this variant may not impact protein structure and function (internally defined REVEL score threshold <= 0.5, PMID: 27666373). To our knowledge, functional studies have not been reported for this variant. This variant has not been reported in individuals affected with RET-related disorders in the literature. This variant has been identified in 12/250740 chromosomes in the general population by the Genome Aggregation Database (gnomAD). The available evidence is insufficient to determine the role of this variant in disease conclusively. Therefore, this variant is classified as a Variant of Uncertain Significance.

This study involves interpretation of variants in research participants for the purpose of population health screening. Participant phenotype was not available at the time of variant classification. Additional details can be found in publication PMID: 35346344, PMCID: PMC8962531

Color Diagnostics, LLC DBA Color Health
Classification: Uncertain significance for Multiple endocrine neoplasia, type 2. Last evaluated: 2023-11-28. Review status: criteria provided, single submitter. Criteria: ACMG Guidelines, 2015. Collection method: clinical testing. Allele origin: germline.
Comment: This missense variant replaces arginine with glutamine at codon 677 of the RET protein. Computational prediction suggests that this variant may not impact protein structure and function. To our knowledge, functional studies have not been reported for this variant. This variant has not been reported in individuals affected with RET-related disorders in the literature. This variant has been identified in 12/250740 chromosomes in the general population by the Genome Aggregation Database (gnomAD). The available evidence is insufficient to determine the role of this variant in disease conclusively. Therefore, this variant is classified as a Variant of Uncertain Significance.

Ambry Genetics
Classification: Benign for Hereditary cancer-predisposing syndrome. Last evaluated: 2023-02-16. Review status: criteria provided, single submitter. Criteria: Ambry Variant Classification Scheme 2023. Collection method: clinical testing. Allele origin: germline.